The following is an entry in ClinVar:

ClinVar aggregate classification (germline): Conflicting classifications of pathogenicity. Review status: criteria provided, conflicting classifications (1 of 4 stars). 7 submissions from 7 submitters: Uncertain significance (4); Benign (1); Likely benign (2). Last evaluated 2025-10-23.

Conditions:
Hereditary breast ovarian cancer syndrome. Also called: Breast and ovarian cancer; Hereditary breast and ovarian cancer; Hereditary breast and ovarian cancer syndrome; Hereditary breast and/or ovarian cancer syndrome; BRCA1- and BRCA2-Associated Hereditary Breast and Ovarian Cancer; Hereditary breast and ovarian cancer syndrome (HBOC). Identifiers: Orphanet 145, MedGen C0677776, MeSH D061325, MONDO:0003582. Disease mechanism: loss of function.
Familial cancer of breast. Also called: BREAST CANCER, FAMILIAL; hereditary breast carcinoma; Hereditary breast cancer. Identifiers: Orphanet 227535, MedGen C0346153, MONDO:0016419, OMIM 114480. Disease mechanism: loss of function.
Breast-ovarian cancer, familial, susceptibility to, 1 (BROVCA1). Also called: BRCA1 Hereditary Breast and Ovarian Cancer; OVARIAN CANCER, SUSCEPTIBILITY TO. Identifiers: Orphanet 145, MedGen C2676676, MONDO:0011450, OMIM 604370. Disease mechanism: loss of function.
Fanconi anemia, complementation group S (FANCS). Identifiers: MedGen C4554406, MONDO:0054748, OMIM 617883.
Hereditary cancer-predisposing syndrome. Also called: Tumor predisposition; Hereditary Cancer Syndrome; Neoplastic Syndromes, Hereditary; Hereditary neoplastic syndrome. Identifiers: Orphanet 140162, MedGen C0027672, MeSH D009386, MONDO:0015356.

Submissions (7):

Labcorp Genetics (formerly Invitae), Labcorp
Classification: Benign for Hereditary breast ovarian cancer syndrome. Last evaluated: 2025-10-23. Review status: criteria provided, single submitter. Criteria: Invitae Variant Classification Sherloc (09022015). Collection method: clinical testing. Allele origin: germline.

Quest Diagnostics Nichols Institute San Juan Capistrano
Classification: Uncertain significance. Last evaluated: 2025-07-03. Review status: criteria provided, single submitter. Criteria: Quest Diagnostics criteria. Collection method: clinical testing. Allele origin: unknown.
Comment: The BRCA1 c.3181A>G (p.Ile1061Val) variant has been reported in the published literature in an individual with breast cancer (PMID: 33471991 (2021), see also LOVD). This variant has not been reported in large, multi-ethnic general populations (Genome Aggregation Database). Analysis of this variant using bioinformatics tools for the prediction of the effect of amino acid changes on protein structure and function yielded predictions that this variant is benign. Additional analysis using software algorithms for the prediction of the effect of nucleotide changes on BRCA1 mRNA splicing yielded predictions that this variant may result in the gain of a cryptic splice site without affecting the natural splice sites. Based on the available information, we are unable to determine the clinical significance of this variant.

Color Diagnostics, LLC DBA Color Health
Classification: Uncertain significance for Hereditary cancer-predisposing syndrome. Last evaluated: 2024-12-11. Review status: criteria provided, single submitter. Criteria: ACMG Guidelines, 2015. Collection method: clinical testing. Allele origin: germline.
Comment: This missense variant replaces isoleucine with valine at codon 1061 of the BRCA1 protein. Computational prediction tool suggests that this variant may not impact protein structure and function. To our knowledge, functional studies have not been performed for this variant. This variant has been detected in a breast cancer case-control meta-analysis in 1/60466 cases and 0/53461 unaffected individuals (PMID: 33471991; Leiden Open Variation Database DB-ID BRCA1_006352). This variant has not been identified in the general population by the Genome Aggregation Database (gnomAD). The available evidence is insufficient to determine the role of this variant in disease conclusively. Therefore, this variant is classified as a Variant of Uncertain Significance.

University of Washington Department of Laboratory Medicine, University of Washington
Classification: Likely benign for Hereditary cancer-predisposing syndrome. Last evaluated: 2023-03-23. Review status: criteria provided, single submitter. Criteria: Dines et al. (Genet Med. 2020). Collection method: curation. Allele origin: germline.
Comment: Missense variant in a coldspot region where missense variants are very unlikely to be pathogenic (PMID:31911673).

BRCA1 coldspot (exon 11 using historical exon numbering). Reclassification based on statistical prior probability

GeneDx
Classification: Uncertain significance. Last evaluated: 2022-12-29. Review status: criteria provided, single submitter. Criteria: GeneDx Variant Classification Process June 2021. Collection method: clinical testing. Allele origin: germline. Affected: yes.
Comment: Not observed at significant frequency in large population cohorts (gnomAD); In silico analysis supports that this missense variant does not alter protein structure/function; Has not been previously published as pathogenic or benign to our knowledge; Also known as 3300A>G; This variant is associated with the following publications: (PMID: 32377563, 15343273, 29884841)

Department of Pathology and Laboratory Medicine, Sinai Health System
Classification: Uncertain significance for Familial cancer of breast; Breast-ovarian cancer, familial, susceptibility to, 1; Fanconi anemia, complementation group S. Last evaluated: 2022-12-19. Review status: criteria provided, single submitter. Criteria: ACMG Guidelines, 2015. Collection method: clinical testing. Allele origin: germline. Affected: yes.

Ambry Genetics
Classification: Likely benign for Hereditary cancer-predisposing syndrome. Last evaluated: 2017-07-05. Review status: criteria provided, single submitter. Criteria: Ambry Variant Classification Scheme 2023. Collection method: clinical testing. Allele origin: germline.

Literature cited by the submitters: PubMed 33471991 (cited by Quest Diagnostics Nichols Institute San Juan Capistrano and Color Diagnostics, LLC DBA Color Health); PubMed 31911673 (cited by Quest Diagnostics Nichols Institute San Juan Capistrano); PubMed 32377563 (cited by Quest Diagnostics Nichols Institute San Juan Capistrano); PubMed 29884841 (cited by Quest Diagnostics Nichols Institute San Juan Capistrano).

NM_007294.4(BRCA1):c.3181A>G (p.Ile1061Val)

Gene: BRCA1 (BRCA1 DNA repair associated; minus strand). Cytogenetic location: 17q21.31.
Variant type: single nucleotide variant.
Coding change: c.3181A>G on transcript NM_007294.4 (MANE Select); coding-DNA position 3181, A replaced by G.
Protein change: p.Ile1061Val; replaces isoleucine 1061 with valine.
Molecular consequence: missense variant. On other transcripts: intron variant (137).
Genome position (GRCh38, 1-based): chr17:43,092,350, T>C on the plus strand (A>G on the coding strand, the complement: BRCA1 is on the minus strand). VCF-style: chr17-43092350-T-C. GRCh37 (hg19) VCF-style: chr17-41244367-T-C.
Other names: c.662-1318A>G (NM_001408448.1, NM_001408445.1, NM_001408432.1 and 6 more transcripts); c.668-1318A>G (NM_001408421.1, NM_001408431.1, NM_001408424.1); c.785-1318A>G (NM_001407991.1, NM_001408407.1, NM_001408402.1 and 13 more transcripts); c.665-1318A>G (NM_001408427.1, NM_001408443.1, NM_001408439.1 and 12 more transcripts); c.524-1318A>G (NM_001408496.1, NM_001408499.1, NM_001408498.1 and 3 more transcripts); c.647-1318A>G (NM_001408460.1, NM_001408454.1, NM_001408456.1 and 11 more transcripts); c.707-1318A>G (NM_001408413.1, NM_001408416.1); c.587-1318A>G (NM_001408476.1, NM_001408474.1); and 41 more; short protein forms I1061V, I1014V, I1013V, I1034V, I950V, I972V, I990V, I1020V.
Identifiers: ClinVar variation 231131 (VCV000231131.32), dbSNP rs876658975, ClinGen allele CA10580575.